The following is an entry in ClinVar:

ClinVar aggregate classification (germline): Uncertain significance (1 of 4 stars; one submission).

Conditions:
RYR1-related disorder. Also called: RYR1-related condition; RYR1-related disorders. Identifiers: MedGen CN239331.

Allele frequency attached by ClinVar (database versions not stated): TOPMed below 0.00001.

Submission:

Labcorp Genetics (formerly Invitae), Labcorp
Classification: Uncertain significance for RYR1-related disorder. Last evaluated: 2022-11-01. Review status: criteria provided, single submitter. Criteria: Invitae Variant Classification Sherloc (09022015). Collection method: clinical testing. Allele origin: germline.
Comment: This sequence change replaces glutamic acid, which is acidic and polar, with valine, which is neutral and non-polar, at codon 480 of the RYR1 protein (p.Glu480Val). This variant is not present in population databases (gnomAD no frequency). This variant has not been reported in the literature in individuals affected with RYR1-related conditions. ClinVar contains an entry for this variant (Variation ID: 1427858). Algorithms developed to predict the effect of missense changes on protein structure and function are either unavailable or do not agree on the potential impact of this missense change (SIFT: "Deleterious"; PolyPhen-2: "Probably Damaging"; Align-GVGD: "Class C0"). Algorithms developed to predict the effect of sequence changes on RNA splicing suggest that this variant may create or strengthen a splice site. In summary, the available evidence is currently insufficient to determine the role of this variant in disease. Therefore, it has been classified as a Variant of Uncertain Significance.

NM_000540.3(RYR1):c.1439A>T (p.Glu480Val)

Gene: RYR1 (ryanodine receptor 1; plus strand). Cytogenetic location: 19q13.2.
Variant type: single nucleotide variant.
Coding change: c.1439A>T on transcript NM_000540.3 (MANE Select); coding-DNA position 1439, A replaced by T.
Protein change: p.Glu480Val; replaces glutamic acid 480 with valine.
Molecular consequence: missense variant.
Genome position (GRCh38, 1-based): chr19:38,453,013, A>T. VCF-style: chr19-38453013-A-T. GRCh37 (hg19) VCF-style: chr19-38943653-A-T.
Other names: c.1439A>T, p.Glu480Val (NM_001042723.2); short protein forms E480V.
Identifiers: ClinVar variation 1427858 (VCV001427858.8), dbSNP rs1967163389, ClinGen allele CA405686923.